The following is an entry in ClinVar:

NM_001083116.3(PRF1):c.1444G>T (p.Val482Phe)

Gene: PRF1 (perforin 1; minus strand). Cytogenetic location: 10q22.1.
Variant type: single nucleotide variant.
Coding change: c.1444G>T on transcript NM_001083116.3 (MANE Select); coding-DNA position 1444, G replaced by T.
Protein change: p.Val482Phe; replaces valine 482 with phenylalanine.
Molecular consequence: missense variant.
Genome position (GRCh38, 1-based): chr10:70,598,277, C>A on the plus strand (G>T on the coding strand, the complement: PRF1 is on the minus strand). VCF-style: chr10-70598277-C-A. GRCh37 (hg19) VCF-style: chr10-72358033-C-A.
Other names: c.1444G>T, p.Val482Phe (NM_005041.6); short protein forms V482F.
Identifiers: ClinVar variation 578652 (VCV000578652.8), dbSNP rs760962796, ClinGen allele CA5538738.

ClinVar aggregate classification (germline): Uncertain significance (1 of 4 stars; one submission).

Conditions:
Familial hemophagocytic lymphohistiocytosis 2 (FHL2). Also called: PRF1-Related Familial Hemophagocytic Lymphohistiocytosis (PRF1-fHLH). Identifiers: Orphanet 540, MedGen C1863727, MONDO:0011337, OMIM 603553.

Allele frequency attached by ClinVar (database versions not stated): gnomAD exomes 0.00001 and 0.00002; ExAC 0.00002.

Submission:

Labcorp Genetics (formerly Invitae), Labcorp
Classification: Uncertain significance for Familial hemophagocytic lymphohistiocytosis 2. Last evaluated: 2025-11-03. Review status: criteria provided, single submitter. Criteria: Invitae Variant Classification Sherloc (09022015). Collection method: clinical testing. Allele origin: germline.
Comment: This sequence change replaces valine, which is neutral and non-polar, with phenylalanine, which is neutral and non-polar, at codon 482 of the PRF1 protein (p.Val482Phe). This variant is present in population databases (rs760962796, gnomAD 0.01%). This variant has not been reported in the literature in individuals affected with PRF1-related conditions. ClinVar contains an entry for this variant (Variation ID: 578652). Invitae Evidence Modeling of protein sequence and biophysical properties (such as structural, functional, and spatial information, amino acid conservation, physicochemical variation, residue mobility, and thermodynamic stability) indicates that this missense variant is expected to disrupt PRF1 protein function with a positive predictive value of 95%. In summary, the available evidence is currently insufficient to determine the role of this variant in disease. Therefore, it has been classified as a Variant of Uncertain Significance.